The following is an entry in ClinVar:

ClinVar aggregate classification (germline): Uncertain significance. Review status: criteria provided, multiple submitters, no conflicts (2 of 4 stars). 2 submissions from 2 submitters: Uncertain significance (2). Last evaluated 2025-06-07.

Allele frequency attached by ClinVar (database versions not stated): gnomAD exomes below 0.00001; TOPMed 0.00001.
gnomAD v4.1: 3 of 1,540,100 alleles (0.00019%); highest among the groups gnomAD compares: Admixed American, 0.0038%; no homozygotes.

Submissions (2):

Ambry Genetics
Classification: Uncertain significance. Last evaluated: 2025-06-07. Review status: criteria provided, single submitter. Criteria: Ambry Variant Classification Scheme 2023. Collection method: clinical testing. Allele origin: germline.

Labcorp Genetics (formerly Invitae), Labcorp
Classification: Uncertain significance. Last evaluated: 2024-09-01. Review status: criteria provided, single submitter. Criteria: Invitae Variant Classification Sherloc (09022015). Collection method: clinical testing. Allele origin: germline.
Comment: This sequence change replaces asparagine, which is neutral and polar, with aspartic acid, which is acidic and polar, at codon 265 of the POLR3F protein (p.Asn265Asp). This variant is present in population databases (no rsID available, gnomAD 0.008%). This variant has not been reported in the literature in individuals affected with POLR3F-related conditions. Experimental studies and prediction algorithms are not available or were not evaluated, and the functional significance of this variant is currently unknown. In summary, the available evidence is currently insufficient to determine the role of this variant in disease. Therefore, it has been classified as a Variant of Uncertain Significance.

NM_006466.4(POLR3F):c.916A>G (p.Asn306Asp)

Gene: POLR3F (RNA polymerase III subunit F; plus strand). Cytogenetic location: 20p11.23.
Variant type: single nucleotide variant.
Coding change: c.916A>G on transcript NM_006466.4 (MANE Select); coding-DNA position 916, A replaced by G.
Protein change: p.Asn306Asp; replaces asparagine 306 with aspartic acid.
Molecular consequence: missense variant. On other transcripts: non-coding transcript variant (1).
Genome position (GRCh38, 1-based): chr20:18,483,523, A>G. VCF-style: chr20-18483523-A-G. GRCh37 (hg19) VCF-style: chr20-18464167-A-G.
Other names: c.772A>G, p.Asn258Asp (NM_001410821.1); c.793A>G, p.Asn265Asp (NM_001282526.2); c.916A>G (NM_006466.2); short protein forms N306D, N258D, N265D.
Identifiers: ClinVar variation 3018602 (VCV003018602.4), dbSNP rs1360876659, ClinGen allele CA408353790.